The following is an entry in ClinVar:

ClinVar aggregate classification (germline): Uncertain significance (1 of 4 stars; one submission).

Submission:

Labcorp Genetics (formerly Invitae), Labcorp
Classification: Uncertain significance. Last evaluated: 2025-05-18. Review status: criteria provided, single submitter. Criteria: Invitae Variant Classification Sherloc (09022015). Collection method: clinical testing. Allele origin: germline.
Comment: This sequence change creates a premature translational stop signal (p.Cys723Leufs*18) in the IL12RB2 gene. While this is not anticipated to result in nonsense mediated decay, it is expected to disrupt the last 140 amino acid(s) of the IL12RB2 protein. This variant is not present in population databases (gnomAD no frequency). This variant has not been reported in the literature in individuals affected with IL12RB2-related conditions. ClinVar contains an entry for this variant (Variation ID: 1446132). Experimental studies and prediction algorithms are not available or were not evaluated, and the functional significance of this variant is currently unknown. In summary, the available evidence is currently insufficient to determine the role of this variant in disease. Therefore, it has been classified as a Variant of Uncertain Significance.

NM_001374259.2(IL12RB2):c.2166dup (p.Cys723fs)

Gene: IL12RB2 (interleukin 12 receptor subunit beta 2; plus strand). Cytogenetic location: 1p31.3.
Variant type: Duplication.
Coding change: c.2166dup on transcript NM_001374259.2 (MANE Select); coding-DNA position 2166, one base duplicated (C; older notation c.2166dupC).
Protein change: p.Cys723fs; shifts the reading frame from cysteine 723.
Molecular consequence: frameshift variant. On other transcripts: 3 prime UTR variant (3), non-coding transcript variant (2).
Genome position (GRCh38, 1-based): chr1:67,395,666, C duplicated; the last of 6 consecutive C bases (chr1:67,395,661-67,395,666); duplicating any one gives the same sequence. VCF-style (leftmost placement, unchanged base first): chr1-67395660-T-TC. GRCh37 (hg19) VCF-style: chr1-67861343-T-TC.
Other names: c.*86dup (NM_001258214.1, NM_001319233.1); c.1908dup, p.Cys637fs (NM_001258215.1); c.*67dup (NM_001258216.1); c.2166dup, p.Cys723fs (NM_001559.3); short protein forms C637fs, C723fs.
Identifiers: ClinVar variation 1446132 (VCV001446132.6), dbSNP rs992968293, ClinGen allele CA23497333.
Genomic context (GRCh38, chr1:67,395,660, plus strand): 5'-AGATCCTGAACCGCTGGTCATCAGTGAAGTCCTTCATCAAGTGACCCCAGTTTTCAGACA[T>TC]CCCCCCTGCTCCAACTGGCCACAAAGGGAAAAAGGAATCCAAGGTCATCAGGCCTCTGAG-3'